The following is an entry in ClinVar:

ClinVar aggregate classification (germline): Pathogenic (1 of 4 stars; one submission).

Conditions:
Cornelia de Lange syndrome 1 (CDLS1). Also called: TYPUS DEGENERATIVUS AMSTELODAMENSIS; NIPBL-Related Cornelia de Lange Syndrome; Brachmann de Lange syndrome. Identifiers: Orphanet 199, MedGen C4551851, MONDO:0007387, OMIM 122470.

Submission:

Labcorp Genetics (formerly Invitae), Labcorp
Classification: Pathogenic for Cornelia de Lange syndrome 1. Last evaluated: 2018-08-03. Review status: criteria provided, single submitter. Criteria: Invitae Variant Classification Sherloc (09022015). Collection method: clinical testing. Allele origin: germline.
Comment: This sequence change creates a premature translational stop signal (p.Gly707Valfs*87) in the NIPBL gene. It is expected to result in an absent or disrupted protein product. Loss-of-function variants in NIPBL are known to be pathogenic (PMID: 24038889). Algorithms developed to predict the effect of sequence changes on RNA splicing suggest that this variant may create or strengthen a splice site, but this prediction has not been confirmed by published transcriptional studies. This variant has not been reported in the literature in individuals with NIPBL-related disease. This variant is not present in population databases (ExAC no frequency). For these reasons, this variant has been classified as Pathogenic.

Literature cited by the submitters: PubMed 24038889.

NM_133433.4(NIPBL):c.2120del (p.Gly707fs)

Gene: NIPBL (NIPBL cohesin loading factor; plus strand). Cytogenetic location: 5p13.2.
Variant type: Deletion.
Coding change: c.2120del on transcript NM_133433.4 (MANE Select); coding-DNA position 2120, one base deleted (G; older notation c.2120delG).
Protein change: p.Gly707fs; shifts the reading frame from glycine 707.
Molecular consequence: frameshift variant.
Genome position (GRCh38, 1-based): chr5:36,985,300, G deleted; the last of 3 consecutive G bases (chr5:36,985,298-36,985,300); deleting any one gives the same sequence. VCF-style (leftmost placement, unchanged base first): chr5-36985297-AG-A. GRCh37 (hg19) VCF-style: chr5-36985399-AG-A.
Other names: c.2120del, p.Gly707fs (NM_015384.5); short protein forms G707fs.
Identifiers: ClinVar variation 662787 (VCV000662787.6), dbSNP rs1580396071, ClinGen allele CA915943326.
Genomic context (GRCh38, chr5:36,985,297, plus strand): 5'-ACAAACAAAATAATGGCAGATCAGAAACAACAAAATCAAGGCCTGAAACCCCAAAGCAAA[AG>A]GGTGAAAGCCGGCCTGAGACTCCAAAACAAAAGAGTGATGGGCATCCTGAAACCCCAAAA-3'